The following is an entry in ClinVar:

ClinVar aggregate classification (germline): Benign. Review status: criteria provided, single submitter (1 of 4 stars). 2 submissions from 2 submitters: Benign (1). 1 of the submissions does not count toward it. Last evaluated 2026-01-23.

Conditions:
BPTF-related disorder. Also called: BPTF-related condition.

Allele frequency attached by ClinVar (database versions not stated): 1000 Genomes Project 30x 0.00640; ESP Exome Variant Server 0.01146; gnomAD 0.01464; 1000 Genomes Project 0.00699; TOPMed 0.01357; ExAC 0.01675.
gnomAD v4.1: 29,629 of 1,612,720 alleles (1.8%); highest among the groups gnomAD compares: Admixed American, 2.2%; 352 homozygotes.

Submissions (2):

Labcorp Genetics (formerly Invitae), Labcorp
Classification: Benign. Last evaluated: 2026-01-23. Review status: criteria provided, single submitter. Criteria: Invitae Variant Classification Sherloc (09022015). Collection method: clinical testing. Allele origin: germline.

PreventionGenetics, part of Exact Sciences
Classification: Benign for BPTF-related condition. Last evaluated: 2020-01-22. Review status: no assertion criteria provided. Collection method: clinical testing. Allele origin: germline. Not counted in ClinVar's aggregate classification.
Comment: This variant is classified as benign based on ACMG/AMP sequence variant interpretation guidelines (Richards et al. 2015 PMID: 25741868, with internal and published modifications).

NM_182641.4(BPTF):c.570G>A (p.Thr190=)

Genes: BPTF (bromodomain PHD finger transcription factor; plus strand), LOC130061496 (ATAC-STARR-seq lymphoblastoid active region 12632; plus strand). Cytogenetic location: 17q24.2.
Variant type: single nucleotide variant.
Coding change: c.570G>A on transcript NM_182641.4 (MANE Select); coding-DNA position 570, G replaced by A.
Protein change: p.Thr190=; no amino-acid change (threonine 190 retained).
Molecular consequence: synonymous variant.
Genome position (GRCh38, 1-based): chr17:67,826,294, G>A. VCF-style: chr17-67826294-G-A. GRCh37 (hg19) VCF-style: chr17-65822410-G-A.
Other names: c.570G>A, p.Thr190= (NM_004459.7); c.570G>A (NM_182641.3).
Identifiers: ClinVar variation 1970951 (VCV001970951.7), dbSNP rs35711041, ClinGen allele CA8725016.
Genomic context (GRCh38, chr17:67,826,294, plus strand): 5'-CGATGACTCCGATTATCCGGAGGAGATGGAAGACGACGACGACGACGCCAGTTACTGCAC[G>A]GAAAGCAGCTTCAGGAGCCATAGTACCTACAGCAGCACTCCAGGTACCCACCCAGCCCAG-3'
Protein context (NP_872579.2, residues 180-200): EDDDDDASYC[Thr190=]ESSFRSHSTY